The following is an entry in ClinVar:

ClinVar aggregate classification (germline): Conflicting classifications of pathogenicity. Review status: criteria provided, conflicting classifications (1 of 4 stars). 8 submissions from 8 submitters: Uncertain significance (1); Benign (2); Likely benign (4). 1 of the submissions does not count toward it. Last evaluated 2025-12-23.

Conditions:
TJP2-related disorder. Also called: TJP2-related condition.

Allele frequency attached by ClinVar (database versions not stated): gnomAD exomes 0.00022 and 0.00065; ExAC 0.00086; 1000 Genomes Project 0.00240; 1000 Genomes Project 30x 0.00250; gnomAD 0.00256 and 0.00273; ESP Exome Variant Server 0.00269; TOPMed 0.00278.
gnomAD v4.1: 737 of 1,614,170 alleles (0.046%); highest among the groups gnomAD compares: African/African-American, 0.84%; 2 homozygotes.

Submissions (8):

Labcorp Genetics (formerly Invitae), Labcorp
Classification: Likely benign. Last evaluated: 2025-12-23. Review status: criteria provided, single submitter. Criteria: Invitae Variant Classification Sherloc (09022015). Collection method: clinical testing. Allele origin: germline.

Blueprint Genetics
Classification: Likely benign. Last evaluated: 2024-11-20. Review status: criteria provided, single submitter. Criteria: ACMG Guidelines, 2015. Collection method: clinical testing. Allele origin: germline.

CeGaT Center for Human Genetics Tuebingen
Classification: Likely benign. Last evaluated: 2024-04-01. Review status: criteria provided, single submitter. Criteria: CeGaT Center For Human Genetics Tuebingen Variant Classification Criteria Version 2. Collection method: clinical testing. Allele origin: germline. Affected: yes. Observed: 1 variant allele.
Comment: TJP2: BS1:Supporting

Mayo Clinic Laboratories, Mayo Clinic
Classification: Uncertain significance. Last evaluated: 2023-04-19. Review status: criteria provided, single submitter. Criteria: ACMG Guidelines, 2015. Collection method: clinical testing. Allele origin: germline. Observed: 3 variant alleles.
Comment: BS1

GeneDx
Classification: Likely benign. Last evaluated: 2020-11-19. Review status: criteria provided, single submitter. Criteria: GeneDx Variant Classification Process June 2021. Collection method: clinical testing. Allele origin: germline. Affected: yes.

Eurofins Ntd Llc (ga)
Classification: Benign. Last evaluated: 2015-02-23. Review status: criteria provided, single submitter. Criteria: EGL Classification Definitions 2015. Collection method: clinical testing. Allele origin: germline. Observed: 1 variant allele, 1 heterozygote.

Laboratory for Molecular Medicine, Mass General Brigham Personalized Medicine
Classification: Benign. Last evaluated: 2012-04-30. Review status: criteria provided, single submitter. Criteria: LMM Criteria. Collection method: clinical testing. Allele origin: germline. Observed: 2 variant alleles.
Comment: Gln856Arg in Exon 19 of TJP2: This variant is not expected to have clinical sign ificance because it has been identified in 0.7% (28/3738) of African American ch romosomes from a broad population by the NHLBI Exome Sequencing Project (dbSNP rs75450131).

PreventionGenetics, part of Exact Sciences
Classification: Benign for TJP2-related condition. Last evaluated: 2023-10-09. Review status: no assertion criteria provided. Collection method: clinical testing. Allele origin: germline. Not counted in ClinVar's aggregate classification.
Comment: This variant is classified as benign based on ACMG/AMP sequence variant interpretation guidelines (Richards et al. 2015 PMID: 25741868, with internal and published modifications).

NM_004817.4(TJP2):c.2636A>G (p.Gln879Arg)

Gene: TJP2 (tight junction protein 2; plus strand). Cytogenetic location: 9q21.11.
Variant type: single nucleotide variant.
Coding change: c.2636A>G on transcript NM_004817.4 (MANE Select); coding-DNA position 2636, A replaced by G.
Protein change: p.Gln879Arg; replaces glutamine 879 with arginine.
Molecular consequence: missense variant.
Genome position (GRCh38, 1-based): chr9:69,246,759, A>G. VCF-style: chr9-69246759-A-G. GRCh37 (hg19) VCF-style: chr9-71861675-A-G.
Other names: p.Gln879Arg; c.2567A>G, p.Gln856Arg (NM_001170414.2, NM_001369871.1); c.2648A>G, p.Gln883Arg (NM_001170415.1, NM_001369874.1, NM_001369875.1); c.2729A>G, p.Gln910Arg (NM_001170416.2); c.2561A>G, p.Gln854Arg (NM_001369870.1); c.2636A>G, p.Gln879Arg (NM_001369872.1, NM_001369873.1, NM_201629.3); short protein forms Q856R, Q879R, Q854R, Q883R, Q910R.
Identifiers: ClinVar variation 165416 (VCV000165416.45), dbSNP rs75450131, ClinGen allele CA178180.